The following is an entry in ClinVar:

NM_018136.5(ASPM):c.8903G>A (p.Trp2968Ter)

Gene: ASPM (assembly factor for spindle microtubules; minus strand). Cytogenetic location: 1q31.3.
Variant type: single nucleotide variant.
Coding change: c.8903G>A on transcript NM_018136.5 (MANE Select); coding-DNA position 8903, G replaced by A.
Protein change: p.Trp2968Ter; replaces tryptophan 2968 with a stop codon.
Molecular consequence: nonsense.
Genome position (GRCh38, 1-based): chr1:197,096,082, C>T on the plus strand (G>A on the coding strand, the complement: ASPM is on the minus strand). VCF-style: chr1-197096082-C-T. GRCh37 (hg19) VCF-style: chr1-197065212-C-T.
Other names: c.4148G>A, p.Trp1383Ter (NM_001206846.2); short protein forms W2968*, W1383*.
Identifiers: ClinVar variation 157901 (VCV000157901.9), dbSNP rs587783285, ClinGen allele CA271136.

ClinVar aggregate classification (germline): Pathogenic. Review status: criteria provided, multiple submitters, no conflicts (2 of 4 stars). 2 submissions from 2 submitters: Pathogenic (2). Last evaluated 2024-01-08.

Conditions:
Microcephaly 5, primary, autosomal recessive (MCPH5). Also called: ASPM Primary Microcephaly. Identifiers: Orphanet 2512, MedGen C1837501, MONDO:0012106, OMIM 608716.

Submissions (2):

Labcorp Genetics (formerly Invitae), Labcorp
Classification: Pathogenic. Last evaluated: 2024-01-08. Review status: criteria provided, single submitter. Criteria: Invitae Variant Classification Sherloc (09022015). Collection method: clinical testing. Allele origin: germline.
Comment: This sequence change creates a premature translational stop signal (p.Trp2968*) in the ASPM gene. It is expected to result in an absent or disrupted protein product. Loss-of-function variants in ASPM are known to be pathogenic (PMID: 19028728, 23611254). This variant is not present in population databases (gnomAD no frequency). This premature translational stop signal has been observed in individual(s) with primary microcephaly (PMID: 23611254). ClinVar contains an entry for this variant (Variation ID: 157901). Algorithms developed to predict the effect of sequence changes on RNA splicing suggest that this variant may disrupt the consensus splice site. For these reasons, this variant has been classified as Pathogenic.

Genetic Services Laboratory, University of Chicago
Classification: Pathogenic for Microcephaly 5, primary, autosomal recessive. Last evaluated: 2013-02-08. Review status: criteria provided, single submitter. Criteria: ACMG Guidelines, 2007. Collection method: clinical testing. Allele origin: germline. Inheritance: Autosomal recessive inheritance. Affected: yes.

Literature cited by the submitters: PubMed 19028728 (cited by Labcorp Genetics (formerly Invitae), Labcorp); PubMed 23611254 (cited by Labcorp Genetics (formerly Invitae), Labcorp).